The following is an entry in ClinVar:

ClinVar aggregate classification (germline): Uncertain significance (1 of 4 stars; one submission).

Allele frequency attached by ClinVar (database versions not stated): gnomAD 0.00001; TOPMed 0.00001.
gnomAD v4.1: 1 of 1,613,494 alleles (0.000062%); highest among the groups gnomAD compares: African/African-American, 0.0013%; no homozygotes.

Submission:

Labcorp Genetics (formerly Invitae), Labcorp
Classification: Uncertain significance. Last evaluated: 2021-08-10. Review status: criteria provided, single submitter. Criteria: Invitae Variant Classification Sherloc (09022015). Collection method: clinical testing. Allele origin: germline.
Comment: Algorithms developed to predict the effect of missense changes on protein structure and function output the following: SIFT: "Tolerated"; PolyPhen-2: "Benign"; Align-GVGD: "Class C0". The arginine amino acid residue is found in multiple mammalian species, which suggests that this missense change does not adversely affect protein function. In summary, the available evidence is currently insufficient to determine the role of this variant in disease. Therefore, it has been classified as a Variant of Uncertain Significance. This sequence change replaces glycine with arginine at codon 5 of the SIAE protein (p.Gly5Arg). The glycine residue is weakly conserved and there is a moderate physicochemical difference between glycine and arginine. This variant is not present in population databases (ExAC no frequency). This variant has not been reported in the literature in individuals affected with SIAE-related conditions.

NM_170601.5(SIAE):c.13G>A (p.Gly5Arg)

Gene: SIAE (sialic acid acetylesterase; minus strand). Cytogenetic location: 11q24.2.
Variant type: single nucleotide variant.
Coding change: c.13G>A on transcript NM_170601.5 (MANE Select); coding-DNA position 13, G replaced by A.
Protein change: p.Gly5Arg; replaces glycine 5 with arginine.
Molecular consequence: missense variant. On other transcripts: intron variant (1).
Genome position (GRCh38, 1-based): chr11:124,673,696, C>T on the plus strand (G>A on the coding strand, the complement: SIAE is on the minus strand). VCF-style: chr11-124673696-C-T. GRCh37 (hg19) VCF-style: chr11-124543592-C-T.
Other names: c.-39+1562G>A (NM_001199922.2); short protein forms G5R.
Identifiers: ClinVar variation 1476754 (VCV001476754.6), dbSNP rs928028109, ClinGen allele CA230369195.